The following is an entry in ClinVar:

ClinVar aggregate classification (germline): Uncertain significance (1 of 4 stars; one submission).

Conditions:
Chédiak-Higashi syndrome (CHS). Also called: Chediak-Higashi Syndrome. Identifiers: Orphanet 167, MedGen C0007965, MONDO:0008963, OMIM 214500.

gnomAD v4.1: 1 of 1,613,572 alleles (0.000062%); highest among the groups gnomAD compares: African/African-American, 0.0013%; no homozygotes.

Submission:

Labcorp Genetics (formerly Invitae), Labcorp
Classification: Uncertain significance for Chédiak-Higashi syndrome. Last evaluated: 2024-02-24. Review status: criteria provided, single submitter. Criteria: Invitae Variant Classification Sherloc (09022015). Collection method: clinical testing. Allele origin: germline.
Comment: This sequence change replaces asparagine, which is neutral and polar, with lysine, which is basic and polar, at codon 3118 of the LYST protein (p.Asn3118Lys). This variant is not present in population databases (gnomAD no frequency). This variant has not been reported in the literature in individuals affected with LYST-related conditions. Advanced modeling of protein sequence and biophysical properties (such as structural, functional, and spatial information, amino acid conservation, physicochemical variation, residue mobility, and thermodynamic stability) performed at Invitae indicates that this missense variant is not expected to disrupt LYST protein function with a negative predictive value of 80%. In summary, the available evidence is currently insufficient to determine the role of this variant in disease. Therefore, it has been classified as a Variant of Uncertain Significance.

NM_000081.4(LYST):c.9354C>A (p.Asn3118Lys)

Gene: LYST (lysosomal trafficking regulator; minus strand). Cytogenetic location: 1q42.3.
Variant type: single nucleotide variant.
Coding change: c.9354C>A on transcript NM_000081.4 (MANE Select); coding-DNA position 9354, C replaced by A.
Protein change: p.Asn3118Lys; replaces asparagine 3118 with lysine.
Molecular consequence: missense variant.
Genome position (GRCh38, 1-based): chr1:235,720,867, G>T on the plus strand (C>A on the coding strand, the complement: LYST is on the minus strand). VCF-style: chr1-235720867-G-T. GRCh37 (hg19) VCF-style: chr1-235884167-G-T.
Other names: c.9354C>A, p.Asn3118Lys (NM_001301365.1); short protein forms N3118K.
Identifiers: ClinVar variation 3626263 (VCV003626263.2).